The following is an entry in ClinVar:

ClinVar aggregate classification (germline): Uncertain significance (1 of 4 stars; one submission).

Submission:

Ambry Genetics
Classification: Uncertain significance. Last evaluated: 2021-07-14. Review status: criteria provided, single submitter. Criteria: Ambry Variant Classification Scheme 2023. Collection method: clinical testing. Allele origin: germline.
Comment: The p.S869L variant (also known as c.2606C>T), located in coding exon 1 of the MLH3 gene, results from a C to T substitution at nucleotide position 2606. The serine at codon 869 is replaced by leucine, an amino acid with dissimilar properties. This amino acid position is conserved. In addition, this alteration is predicted to be tolerated by in silico analysis. Since supporting evidence is limited at this time, the clinical significance of this alteration remains unclear.

NM_001040108.2(MLH3):c.2606C>T (p.Ser869Leu)

Gene: MLH3 (mutL homolog 3; minus strand). Cytogenetic location: 14q24.3.
Variant type: single nucleotide variant.
Coding change: c.2606C>T on transcript NM_001040108.2 (MANE Select); coding-DNA position 2606, C replaced by T.
Protein change: p.Ser869Leu; replaces serine 869 with leucine.
Molecular consequence: missense variant.
Genome position (GRCh38, 1-based): chr14:75,047,050, G>A on the plus strand (C>T on the coding strand, the complement: MLH3 is on the minus strand). VCF-style: chr14-75047050-G-A. GRCh37 (hg19) VCF-style: chr14-75513753-G-A.
Other names: c.2606C>T, p.Ser869Leu (NM_014381.3); short protein forms S869L.
Identifiers: ClinVar variation 1793731 (VCV001793731.2), dbSNP rs2139559399, ClinGen allele CA390439504.